The following is an entry in ClinVar:

NM_000235.4(LIPA):c.652C>T (p.Arg218Ter)

Gene: LIPA (lipase A, lysosomal acid type; minus strand). Cytogenetic location: 10q23.31.
Variant type: single nucleotide variant.
Coding change: c.652C>T on transcript NM_000235.4 (MANE Select); coding-DNA position 652, C replaced by T.
Protein change: p.Arg218Ter; replaces arginine 218 with a stop codon.
Molecular consequence: nonsense.
Genome position (GRCh38, 1-based): chr10:89,225,115, G>A on the plus strand (C>T on the coding strand, the complement: LIPA is on the minus strand). VCF-style: chr10-89225115-G-A. GRCh37 (hg19) VCF-style: chr10-90984872-G-A.
Other names: c.652C>T, p.Arg218Ter (NM_001127605.3); c.304C>T, p.Arg102Ter (NM_001288979.2); short protein forms R102*, R218*.
Identifiers: ClinVar variation 1459866 (VCV001459866.10), dbSNP rs771330022, ClinGen allele CA211367656.
Genomic context (GRCh38, chr10:89,225,115, plus strand): 5'-TGCGGGGAGAGGAGAGGGATGGGAGGGGTCCAAGTACCTTAATGAGATGATCTGGTAATC[G>A]TCCTAATTTGGCCATAGGGCTAGTACAGAAGGCGACGGAAGCCACAGGACCCAGGGCAAA-3'

ClinVar aggregate classification (germline): Pathogenic. Review status: criteria provided, multiple submitters, no conflicts (2 of 4 stars). 4 submissions from 4 submitters: Pathogenic (4). Last evaluated 2025-02-12.

Conditions:
Wolman disease (WOLD). Also called: Wolman disease with hypolipoproteinemia and acanthocytosis; Acid cholesteryl ester hydrolase deficiency, Wolman type; Acid lipase disease; LYSOSOMAL ACID LIPASE DEFICIENCY, ACUTE INFANTILE; LYSOSOMAL ACID LIPASE DEFICIENCY, COMPLETE; LIPA DEFICIENCY, COMPLETE. Identifiers: Orphanet 75233, MedGen C0043208, MONDO:0019148, OMIM 620151.
Cholesteryl ester storage disease (CESD). Also called: Childhood/Adult-Onset LAL-D (Cholesterol Ester Storage Disease [CESD]). Identifiers: Orphanet 75234, MedGen C0008384, MONDO:0019149, OMIM 278000.
Lysosomal acid lipase deficiency. Also called: Acid cholesteryl ester hydrolase deficiency, type 2. Identifiers: Orphanet 275761, MedGen C5574740, MONDO:0800449, MONDO:0010204.

Allele frequency attached by ClinVar (database versions not stated): gnomAD 0.00001; TOPMed 0.00001.

Submissions (4):

Myriad Genetics, Inc.
Classification: Pathogenic for Lysosomal acid lipase deficiency. Last evaluated: 2025-02-12. Review status: criteria provided, single submitter. Criteria: Myriad Autosomal Dominant, Autosomal Recessive and X-Linked Classification Criteria (2023). Collection method: clinical testing. Allele origin: unknown.
Comment: NM_000235.2(LIPA):c.652C>T(R218*) is a nonsense variant classified as pathogenic in the context of lysosomal acid lipase deficiency. R218* has been observed in cases with relevant disease (PMID: 19307143, 28881270). Relevant functional assessments of this variant are available in the literature (PMID: 29196158). R218* has been observed in referenced population frequency databases. In summary, NM_000235.2(LIPA):c.652C>T(R218*) is a nonsense variant that has functional support for pathogenicity and has been observed more frequently in cases with the relevant disease than in healthy populations. Please note: this variant was assessed in the context of healthy population screening.

Fulgent Genetics
Classification: Pathogenic for Cholesteryl ester storage disease; Wolman disease. Last evaluated: 2024-04-11. Review status: criteria provided, single submitter. Criteria: ACMG Guidelines, 2015. Collection method: clinical testing. Allele origin: germline.

Labcorp Genetics (formerly Invitae), Labcorp
Classification: Pathogenic for Wolman disease. Last evaluated: 2023-11-26. Review status: criteria provided, single submitter. Criteria: Invitae Variant Classification Sherloc (09022015). Collection method: clinical testing. Allele origin: germline.
Comment: This sequence change creates a premature translational stop signal (p.Arg218*) in the LIPA gene. It is expected to result in an absent or disrupted protein product. Loss-of-function variants in LIPA are known to be pathogenic (PMID: 23485521). This variant is present in population databases (no rsID available, gnomAD 0.0009%). This premature translational stop signal has been observed in individual(s) with lysosomal acid lipase deficiency (PMID: 28881270). ClinVar contains an entry for this variant (Variation ID: 1459866). Algorithms developed to predict the effect of sequence changes on RNA splicing suggest that this variant may disrupt the consensus splice site. For these reasons, this variant has been classified as Pathogenic.

Genomic Medicine Center of Excellence, King Faisal Specialist Hospital and Research Centre
Classification: Pathogenic for Wolman disease. Last evaluated: 2023-05-12. Review status: criteria provided, single submitter. Criteria: ACMG Guidelines, 2015. Collection method: clinical testing. Allele origin: germline.

Literature cited by the submitters: PubMed 19307143 (cited by Myriad Genetics, Inc.); PubMed 28881270 (cited by Myriad Genetics, Inc. and Labcorp Genetics (formerly Invitae), Labcorp); PubMed 29196158 (cited by Myriad Genetics, Inc.); PubMed 23485521 (cited by Labcorp Genetics (formerly Invitae), Labcorp).